The following is an entry in ClinVar:

ClinVar aggregate classification (germline): Conflicting classifications of pathogenicity. Review status: criteria provided, conflicting classifications (1 of 4 stars). 3 submissions from 3 submitters: Likely pathogenic (1); Uncertain significance (2). Last evaluated 2026-03-31.

Conditions:
Malignant hyperthermia, susceptibility to, 1 (MHS1). Also called: Malignant hyperthermia suceptibility 1; Anesthesia related hyperthermia; Malignant hyperpyrexia; Fulminating hyperpyrexia; Pharmacogenic myopathy; RYR1-Related Malignant Hyperthermia Susceptibility. Identifiers: Orphanet 423, MedGen C2930980, MONDO:0007783, OMIM 145600.
RYR1-related disorder. Also called: RYR1-related disorders; RYR1-related condition. Identifiers: MedGen CN239331.

Submissions (3):

GeneDx
Classification: Likely pathogenic. Last evaluated: 2026-03-31. Review status: criteria provided, single submitter. Criteria: GeneDx Variant Classification Process June 2021. Collection method: clinical testing. Allele origin: germline.
Comment: Has not been previously published as pathogenic or benign to our knowledge; Not observed at significant frequency in large population cohorts (gnomAD); In-frame duplication of 1 amino acid in a non-repeat region

Color Diagnostics, LLC DBA Color Health
Classification: Uncertain significance for Malignant hyperthermia, susceptibility to, 1. Last evaluated: 2025-08-26. Review status: criteria provided, single submitter. Criteria: ACMG Guidelines, 2015. Collection method: clinical testing. Allele origin: germline.
Comment: This variant results in the duplication of three nucleotides and the in-frame insertion of one amino acid in the RYR1 protein. To our knowledge, functional studies have not been reported for this variant. This variant has not been reported in individuals affected with RYR1-related disorders in the literature. This variant has been identified in 2/251126 chromosomes in the general population by the Genome Aggregation Database (gnomAD). The available evidence is insufficient to determine the role of this variant in disease conclusively. Therefore, this variant is classified as a Variant of Uncertain Significance.

Labcorp Genetics (formerly Invitae), Labcorp
Classification: Uncertain significance for RYR1-related disorder. Last evaluated: 2022-06-20. Review status: criteria provided, single submitter. Criteria: Invitae Variant Classification Sherloc (09022015). Collection method: clinical testing. Allele origin: germline.
Comment: This variant, c.3713_3715dup, results in the insertion of 1 amino acid(s) of the RYR1 protein (p.Ser1238dup), but otherwise preserves the integrity of the reading frame. This variant is present in population databases (rs761789667, gnomAD 0.01%). This variant has not been reported in the literature in individuals affected with RYR1-related conditions. ClinVar contains an entry for this variant (Variation ID: 544423). Experimental studies and prediction algorithms are not available or were not evaluated, and the functional significance of this variant is currently unknown. Algorithms developed to predict the effect of sequence changes on RNA splicing suggest that this variant may create or strengthen a splice site. In summary, the available evidence is currently insufficient to determine the role of this variant in disease. Therefore, it has been classified as a Variant of Uncertain Significance.

NM_000540.3(RYR1):c.3713_3715dup (p.Ser1238dup)

Gene: RYR1 (ryanodine receptor 1; plus strand). Cytogenetic location: 19q13.2.
Variant type: Duplication.
Coding change: c.3713_3715dup on transcript NM_000540.3 (MANE Select); coding-DNA positions 3713 to 3715, 3 bases duplicated (GCA; older notation c.3713_3715dupGCA).
Protein change: p.Ser1238dup; duplicates serine 1238.
Molecular consequence: inframe insertion.
Genome position (GRCh38, 1-based): chr19:38,469,461-38,469,463, GCA duplicated; duplicating any 3 consecutive bases within chr19:38,469,459-38,469,463 gives the same sequence; the c. name uses the placement nearest the transcript's 3' end. VCF-style (leftmost placement, unchanged base first): chr19-38469458-T-TCAG. GRCh37 (hg19) VCF-style: chr19-38960098-T-TCAG.
Other names: c.3713_3715dup (NM_000540.2); c.3713_3715dup, p.Ser1238dup (NM_001042723.2); c.3713_3715dupGCA (NM_000540.2).
Identifiers: ClinVar variation 544423 (VCV000544423.8), dbSNP rs761789667, ClinGen allele CA065099.